The following is an entry in ClinVar:

NM_000282.4(PCCA):c.729A>T (p.Arg243Ser)

Gene: PCCA (propionyl-CoA carboxylase subunit alpha; plus strand). Cytogenetic location: 13q32.3.
Variant type: single nucleotide variant.
Coding change: c.729A>T on transcript NM_000282.4 (MANE Select); coding-DNA position 729, A replaced by T.
Protein change: p.Arg243Ser; replaces arginine 243 with serine.
Molecular consequence: missense variant. On other transcripts: 5 prime UTR variant (3), non-coding transcript variant (5).
Genome position (GRCh38, 1-based): chr13:100,262,741, A>T. VCF-style: chr13-100262741-A-T. GRCh37 (hg19) VCF-style: chr13-100914995-A-T.
Other names: c.729A>T (NM_000282.3); c.651A>T, p.Arg217Ser (NM_001127692.3, NM_001352607.2, NM_001352608.2); c.729A>T, p.Arg243Ser (NM_001178004.2, NM_001352605.2, NM_001352606.2 and 1 more transcripts); c.-217A>T (NM_001352610.2, NM_001352611.2, NM_001352612.2); short protein forms R217S, R243S.
Identifiers: ClinVar variation 1973149 (VCV001973149.3), dbSNP rs1246978168, ClinGen allele CA388694238.

ClinVar aggregate classification (germline): Uncertain significance. Review status: criteria provided, multiple submitters, no conflicts (2 of 4 stars). 2 submissions from 2 submitters: Uncertain significance (2). Last evaluated 2023-08-16.

Conditions:
Propionic acidemia (PROP). Also called: GLYCINEMIA, KETOTIC; HYPERGLYCINEMIA WITH KETOACIDOSIS AND LEUKOPENIA; KETOTIC HYPERGLYCINEMIA. Identifiers: Orphanet 35, MedGen C0268579, MONDO:0011628, OMIM 606054, HP:0003571.

Allele frequency attached by ClinVar (database versions not stated): gnomAD exomes below 0.00001.
gnomAD v4.1: 2 of 1,474,262 alleles (0.00014%); highest among the groups gnomAD compares: African/African-American, 0.003%; no homozygotes.

Submissions (2):

Women's Health and Genetics/Laboratory Corporation of America, LabCorp
Classification: Uncertain significance. Last evaluated: 2023-08-16. Review status: criteria provided, single submitter. Criteria: LabCorp Variant Classification Summary - May 2015. Collection method: clinical testing. Allele origin: germline.
Comment: Variant summary: PCCA c.729A>T (p.Arg243Ser) results in a non-conservative amino acid change located in the carbamoyl-phosphate synthetase large subunit-like, ATP-binding domain (IPR005479) of the encoded protein sequence. Four of five in-silico tools predict a damaging effect of the variant on protein function. The variant was absent in 250302 control chromosomes (gnomAD). The available data on variant occurrences in the general population are insufficient to allow any conclusion about variant significance. To our knowledge, no occurrence of c.729A>T in individuals affected with Propionic Acidemia and no experimental evidence demonstrating its impact on protein function have been reported. One submitter has cited clinical-significance assessments for this variant to ClinVar after 2014 and has classified the variant as uncertain significance. Based on the evidence outlined above, the variant was classified as uncertain significance.

Labcorp Genetics (formerly Invitae), Labcorp
Classification: Uncertain significance for Propionic acidemia. Last evaluated: 2022-03-28. Review status: criteria provided, single submitter. Criteria: Invitae Variant Classification Sherloc (09022015). Collection method: clinical testing. Allele origin: germline.
Comment: This sequence change replaces arginine, which is basic and polar, with serine, which is neutral and polar, at codon 243 of the PCCA protein (p.Arg243Ser). This variant is present in population databases (no rsID available, gnomAD 0.01%). This variant has not been reported in the literature in individuals affected with PCCA-related conditions. Algorithms developed to predict the effect of missense changes on protein structure and function are either unavailable or do not agree on the potential impact of this missense change (SIFT: "Deleterious"; PolyPhen-2: "Benign"; Align-GVGD: "Class C0"). In summary, the available evidence is currently insufficient to determine the role of this variant in disease. Therefore, it has been classified as a Variant of Uncertain Significance.